The following is an entry in ClinVar:

NM_001080467.3(MYO5B):c.4315+5G>T

Genes: MYO5B (myosin VB; minus strand), SNHG22 (small nucleolar RNA host gene 22; plus strand), LOC126862745 (MED14-independent group 3 enhancer GRCh37_chr18:47375491-47376690; plus strand). Cytogenetic location: 18q21.1.
Variant type: single nucleotide variant.
Coding change: c.4315+5G>T on transcript NM_001080467.3 (MANE Select); 5 bases into the intron after coding-DNA position 4315, G replaced by T.
Molecular consequence: intron variant.
Genome position (GRCh38, 1-based): chr18:49,849,562, C>A on the plus strand (G>T on the coding strand, the complement: MYO5B is on the minus strand). VCF-style: chr18-49849562-C-A. GRCh37 (hg19) VCF-style: chr18-47375932-C-A.
Identifiers: ClinVar variation 1488873 (VCV001488873.6), dbSNP rs488890, ClinGen allele CA8960411.

ClinVar aggregate classification (germline): Uncertain significance (1 of 4 stars; one submission).

gnomAD v4.1: 6 of 1,603,348 alleles (0.00037%); highest among the groups gnomAD compares: African/African-American, 0.0013%; no homozygotes.

Submission:

Labcorp Genetics (formerly Invitae), Labcorp
Classification: Uncertain significance. Last evaluated: 2025-01-13. Review status: criteria provided, single submitter. Criteria: Invitae Variant Classification Sherloc (09022015). Collection method: clinical testing. Allele origin: germline.
Comment: This sequence change falls in intron 32 of the MYO5B gene. It does not directly change the encoded amino acid sequence of the MYO5B protein. It affects a nucleotide within the consensus splice site. This variant is present in population databases (rs488890, gnomAD 0.004%). This variant has not been reported in the literature in individuals affected with MYO5B-related conditions. ClinVar contains an entry for this variant (Variation ID: 1488873). Variants that disrupt the consensus splice site are a relatively common cause of aberrant splicing (PMID: 17576681, 9536098). Algorithms developed to predict the effect of sequence changes on RNA splicing suggest that this variant is not likely to affect RNA splicing. In summary, the available evidence is currently insufficient to determine the role of this variant in disease. Therefore, it has been classified as a Variant of Uncertain Significance.

Literature cited by the submitters: PubMed 17576681; PubMed 9536098.